The following is an entry in ClinVar:

NM_001127222.2(CACNA1A):c.6730C>T (p.Arg2244Cys)

Genes: CACNA1A (calcium voltage-gated channel subunit alpha1 A; minus strand), LOC130063717 (ATAC-STARR-seq lymphoblastoid silent region 10203; plus strand). Cytogenetic location: 19p13.13.
Variant type: single nucleotide variant.
Coding change: c.6730C>T on transcript NM_001127222.2 (MANE Select); coding-DNA position 6730, C replaced by T.
Protein change: p.Arg2244Cys; replaces arginine 2244 with cysteine.
Molecular consequence: missense variant.
Genome position (GRCh38, 1-based): chr19:13,208,806, G>A on the plus strand (C>T on the coding strand, the complement: CACNA1A is on the minus strand). VCF-style: chr19-13208806-G-A. GRCh37 (hg19) VCF-style: chr19-13319620-G-A.
Other names: c.6748C>T, p.Arg2250Cys (NM_000068.4, NM_023035.3); c.6733C>T, p.Arg2245Cys (NM_001127221.2); c.6739C>T, p.Arg2247Cys (NM_001174080.2); short protein forms R2245C, R2247C, R2244C, R2250C.
Identifiers: ClinVar variation 590048 (VCV000590048.18), dbSNP rs1021438528, ClinGen allele CA305547366.

ClinVar aggregate classification (germline): Uncertain significance. Review status: criteria provided, multiple submitters, no conflicts (2 of 4 stars). 3 submissions from 3 submitters: Uncertain significance (3). Last evaluated 2022-06-13.

Conditions:
Developmental and epileptic encephalopathy, 42 (DEE42A). Also called: DEVELOPMENTAL AND EPILEPTIC ENCEPHALOPATHY 42A; EPILEPTIC ENCEPHALOPATHY, EARLY INFANTILE, 42A; Epileptic encephalopathy, early infantile, 42. Identifiers: MedGen C4310716, MONDO:0014917, OMIM 617106.
Episodic ataxia type 2 (EA2). Also called: ACETAZOLAMIDE-RESPONSIVE HEREDITARY PAROXYSMAL CEREBELLAR ATAXIA; ATAXIA, EPISODIC, WITH NYSTAGMUS; ATAXIA, FAMILIAL PAROXYSMAL; CEREBELLAR ATAXIA, PAROXYSMAL, ACETAZOLAMIDE-RESPONSIVE; CEREBELLOPATHY, HEREDITARY PAROXYSMAL; EPISODIC ATAXIA, NYSTAGMUS-ASSOCIATED. Identifiers: Orphanet 97, MedGen C1720416, MONDO:0007163, OMIM 108500.
Inborn genetic diseases. Identifiers: MedGen C0950123, MeSH D030342.

Allele frequency attached by ClinVar (database versions not stated): gnomAD exomes below 0.00001.
gnomAD v4.1: 4 of 1,549,942 alleles (0.00026%); highest among the groups gnomAD compares: South Asian, 0.0012%; no homozygotes.

Submissions (3):

Labcorp Genetics (formerly Invitae), Labcorp
Classification: Uncertain significance for Developmental and epileptic encephalopathy, 42; Episodic ataxia type 2. Last evaluated: 2022-06-13. Review status: criteria provided, single submitter. Criteria: Invitae Variant Classification Sherloc (09022015). Collection method: clinical testing. Allele origin: germline.
Comment: This variant has not been reported in the literature in individuals affected with CACNA1A-related conditions. This variant is not present in population databases (gnomAD no frequency). This sequence change replaces arginine, which is basic and polar, with cysteine, which is neutral and slightly polar, at codon 2245 of the CACNA1A protein (p.Arg2245Cys). In summary, the available evidence is currently insufficient to determine the role of this variant in disease. Therefore, it has been classified as a Variant of Uncertain Significance. Advanced modeling of protein sequence and biophysical properties (such as structural, functional, and spatial information, amino acid conservation, physicochemical variation, residue mobility, and thermodynamic stability) performed at Invitae indicates that this missense variant is not expected to disrupt CACNA1A protein function. ClinVar contains an entry for this variant (Variation ID: 590048).

GeneDx
Classification: Uncertain significance. Last evaluated: 2021-04-23. Review status: criteria provided, single submitter. Criteria: GeneDx Variant Classification Process June 2021. Collection method: clinical testing. Allele origin: germline. Affected: yes.
Comment: Not observed in large population cohorts (Lek et al., 2016); In silico analysis supports that this missense variant has a deleterious effect on protein structure/function; Has not been previously published as pathogenic or benign to our knowledge

Ambry Genetics
Classification: Uncertain significance for Inborn genetic diseases. Last evaluated: 2017-01-26. Review status: criteria provided, single submitter. Criteria: Ambry Variant Classification Scheme 2023. Collection method: clinical testing. Allele origin: germline.
Comment: The p.R2245C variant (also known as c.6733C>T), located in coding exon 46 of the CACNA1A gene, results from a C to T substitution at nucleotide position 6733. The arginine at codon 2245 is replaced by cysteine, an amino acid with highly dissimilar properties. This amino acid position is not well conserved in available vertebrate species. In addition, the in silico prediction for this alteration is inconclusive. Since supporting evidence is limited at this time, the clinical significance of this variant remains unclear.